The following is an entry in ClinVar:

ClinVar aggregate classification (germline): Conflicting classifications of pathogenicity. Review status: criteria provided, conflicting classifications (1 of 4 stars). 2 submissions from 2 submitters: Uncertain significance (1); Likely benign (1). Last evaluated 2025-06-06.

Conditions:
MOCS2-related disorder. Also called: MOCS2-related condition.

Allele frequency attached by ClinVar (database versions not stated): gnomAD 0.00001; gnomAD exomes 0.00001; ExAC 0.00002.
gnomAD v4.1: 24 of 1,613,940 alleles (0.0015%); highest among the groups gnomAD compares: East Asian, 0.0022%; no homozygotes.

Submissions (2):

PreventionGenetics, part of Exact Sciences
Classification: Uncertain significance for MOCS2-related condition. Last evaluated: 2025-06-06. Review status: criteria provided, single submitter. Criteria: ACMG Guidelines, 2015. Collection method: clinical testing. Allele origin: germline.
Comment: The MOCS2 c.241G>A variant is predicted to result in the amino acid substitution p.Val81Ile. To our knowledge, this variant has not been reported in the literature. On an alternate transcript (NM_004531) this variant is known as c.54G>A (p.=). This variant is reported in 0.011% of alleles in individuals of East Asian descent in gnomAD. At this time, the clinical significance of this variant is uncertain due to the absence of conclusive functional and genetic evidence.

Labcorp Genetics (formerly Invitae), Labcorp
Classification: Likely benign. Last evaluated: 2023-10-26. Review status: criteria provided, single submitter. Criteria: Invitae Variant Classification Sherloc (09022015). Collection method: clinical testing. Allele origin: germline.

NM_004531.5(MOCS2):c.54G>A (p.Pro18=)

Gene: MOCS2 (molybdenum cofactor synthesis 2; minus strand). Cytogenetic location: 5q11.2.
Variant type: single nucleotide variant.
Coding change: c.54G>A on transcript NM_004531.5 (MANE Select); coding-DNA position 54, G replaced by A.
Protein change: p.Pro18=; no amino-acid change (proline 18 retained).
Molecular consequence: synonymous variant. On other transcripts: missense variant (1).
Genome position (GRCh38, 1-based): chr5:53,107,121, C>T on the plus strand (G>A on the coding strand, the complement: MOCS2 is on the minus strand). VCF-style: chr5-53107121-C-T. GRCh37 (hg19) VCF-style: chr5-52402951-C-T.
Other names: c.241G>A (NM_176806.3); c.241G>A, p.Val81Ile (NM_176806.4); c.54G>A, p.Pro18= (NM_183418.1); short protein forms V81I.
Identifiers: ClinVar variation 2920509 (VCV002920509.3), dbSNP rs771571637, ClinGen allele CA3263758.